The following is an entry in ClinVar:

NM_006593.4(TBR1):c.592G>C (p.Gly198Arg)

Gene: TBR1 (T-box brain transcription factor 1; plus strand). Cytogenetic location: 2q24.2.
Variant type: single nucleotide variant.
Coding change: c.592G>C on transcript NM_006593.4 (MANE Select); coding-DNA position 592, G replaced by C.
Protein change: p.Gly198Arg; replaces glycine 198 with arginine.
Molecular consequence: missense variant.
Genome position (GRCh38, 1-based): chr2:161,417,002, G>C. VCF-style: chr2-161417002-G-C. GRCh37 (hg19) VCF-style: chr2-162273513-G-C.
Other names: short protein forms G198R.
Identifiers: ClinVar variation 588241 (VCV000588241.6), dbSNP rs764392292, ClinGen allele CA1930788.
Genomic context (GRCh38, chr2:161,417,002, plus strand): 5'-CAGCAGTACGGCCACTCCTACCAAGGAGCTCCGTTCTACCAGTTCTCCTCCACCCAGCCG[G>C]GGCTGGTGCCCGGCAAAGCACAGGTGTACCTGTGCAACAGGCCCCTTTGGCTGAAATTTC-3'
Protein context (NP_006584.1, residues 188-208): PFYQFSSTQP[Gly198Arg]LVPGKAQVYL

ClinVar aggregate classification (germline): Uncertain significance. Review status: criteria provided, multiple submitters, no conflicts (2 of 4 stars). 2 submissions from 2 submitters: Uncertain significance (2). Last evaluated 2016-09-07.

Conditions:
Inborn genetic diseases. Identifiers: MedGen C0950123, MeSH D030342.
Intellectual developmental disorder with autism and speech delay. Also called: Autism 5; AUTS5; Autism, susceptibility to, 5; PHRASE SPEECH DELAY, AUTISM-RELATED; AUTISM-RELATED SPEECH DELAY. Identifiers: MedGen C1853755, MONDO:0011627, OMIM 606053.

Allele frequency attached by ClinVar (database versions not stated): gnomAD below 0.00001 and 0.00001; gnomAD exomes 0.00001; ExAC 0.00002.

Submissions (2):

Ambry Genetics
Classification: Uncertain significance for Inborn genetic diseases. Last evaluated: 2016-09-07. Review status: criteria provided, single submitter. Criteria: Ambry Variant Classification Scheme 2023. Collection method: clinical testing. Allele origin: germline.
Comment: The p.G198R variant (also known as c.592G>C), located in coding exon 1 of the TBR1 gene, results from a G to C substitution at nucleotide position 592. The glycine at codon 198 is replaced by arginine, an amino acid with dissimilar properties. This variant was not reported in population based cohorts in the following databases: Database of Single Nucleotide Polymorphisms (dbSNP), NHLBI Exome Sequencing Project (ESP), and 1000 Genomes Project. In the ESP, this variant was not observed in 6503 samples (13006 alleles) with coverage at this position. This amino acid position is well conserved in available vertebrate species. In addition, the in silico prediction for this alteration is inconclusive. Since supporting evidence is limited at this time, the clinical significance of this variant remains unclear.

Neuberg Centre For Genomic Medicine, NCGM
Classification: Uncertain significance for Intellectual developmental disorder with autism and speech delay. Review status: criteria provided, single submitter. Criteria: ACMG Guidelines, 2015. Collection method: clinical testing. Allele origin: germline. Affected: yes.
Comment: The missense variant c.592G>C (p.Gly198Arg) in TBR1 gene has not been reported previously as a pathogenic variant nor as a benign variant, to our knowledge. The p.Gly198Arg variant is novel (not in any individuals) in 1000 Genomes. This variant has been reported to the ClinVar database as Uncertain Significance. The amino acid Gly at position 198 is changed to a Arg changing protein sequence and it might alter its composition and physico-chemical properties. The variant is predicted to be damaging by both SIFT and PolyPhen2. The residue is conserved across species. The amino acid change p.Gly198Arg in TBR1 is predicted as conserved by GERP++ and PhyloP across 100 vertebrates. For these reasons, this variant has been classified as Uncertain Significance.